The following is an entry in ClinVar:

ClinVar aggregate classification (germline): Uncertain significance. Review status: criteria provided, multiple submitters, no conflicts (2 of 4 stars). 2 submissions from 2 submitters: Uncertain significance (2). Last evaluated 2024-05-16.

Conditions:
Saldino-Mainzer syndrome (SRTD9). Also called: CONORENAL SYNDROME; SHORT-RIB THORACIC DYSPLASIA 9 WITHOUT POLYDACTYLY; short-rib thoracic dysplasia 9 with or without polydactyly; Renal dysplasia, retinal pigmentary dystrophy, cerebellar ataxia and skeletal dysplasia. Identifiers: Orphanet 140969, MedGen C1849437, MONDO:0009964, OMIM 266920.
Retinitis pigmentosa 80 (RP80). Identifiers: MedGen C4540439, MONDO:0054708, OMIM 617781.

Allele frequency attached by ClinVar (database versions not stated): gnomAD exomes below 0.00001; gnomAD 0.00001; TOPMed 0.00001.
gnomAD v4.1: 4 of 1,613,660 alleles (0.00025%); highest among the groups gnomAD compares: South Asian, 0.0033%; no homozygotes.

Submissions (2):

Fulgent Genetics
Classification: Uncertain significance for Saldino-Mainzer syndrome; Retinitis pigmentosa 80. Last evaluated: 2024-05-16. Review status: criteria provided, single submitter. Criteria: ACMG Guidelines, 2015. Collection method: clinical testing. Allele origin: germline.

Labcorp Genetics (formerly Invitae), Labcorp
Classification: Uncertain significance for Saldino-Mainzer syndrome. Last evaluated: 2023-09-11. Review status: criteria provided, single submitter. Criteria: Invitae Variant Classification Sherloc (09022015). Collection method: clinical testing. Allele origin: germline.
Comment: In summary, the available evidence is currently insufficient to determine the role of this variant in disease. Therefore, it has been classified as a Variant of Uncertain Significance. Advanced modeling of protein sequence and biophysical properties (such as structural, functional, and spatial information, amino acid conservation, physicochemical variation, residue mobility, and thermodynamic stability) performed at Invitae indicates that this missense variant is not expected to disrupt IFT140 protein function. ClinVar contains an entry for this variant (Variation ID: 970948). This variant has not been reported in the literature in individuals affected with IFT140-related conditions. This variant is not present in population databases (gnomAD no frequency). This sequence change replaces serine, which is neutral and polar, with glycine, which is neutral and non-polar, at codon 447 of the IFT140 protein (p.Ser447Gly).

NM_014714.4(IFT140):c.1339A>G (p.Ser447Gly)

Genes: IFT140 (intraflagellar transport 140; minus strand), LOC105371046 (uncharacterized LOC105371046; plus strand). Cytogenetic location: 16p13.3.
Variant type: single nucleotide variant.
Coding change: c.1339A>G on transcript NM_014714.4 (MANE Select); coding-DNA position 1339, A replaced by G.
Protein change: p.Ser447Gly; replaces serine 447 with glycine.
Molecular consequence: missense variant.
Genome position (GRCh38, 1-based): chr16:1,584,237, T>C on the plus strand (A>G on the coding strand, the complement: IFT140 is on the minus strand). VCF-style: chr16-1584237-T-C. GRCh37 (hg19) VCF-style: chr16-1634238-T-C.
Other names: short protein forms S447G.
Identifiers: ClinVar variation 970948 (VCV000970948.11), dbSNP rs1030260747, ClinGen allele CA276680401.